The following is an entry in ClinVar:

ClinVar aggregate classification (germline): Uncertain significance. Review status: criteria provided, multiple submitters, no conflicts (2 of 4 stars). 2 submissions from 2 submitters: Uncertain significance (2). Last evaluated 2025-10-25.

Conditions:
Inborn genetic diseases. Identifiers: MedGen C0950123, MeSH D030342.

Allele frequency attached by ClinVar (database versions not stated): TOPMed below 0.00001; gnomAD 0.00001; gnomAD exomes 0.00001; ESP Exome Variant Server 0.00008.
gnomAD v4.1: 19 of 1,613,894 alleles (0.0012%); highest among the groups gnomAD compares: Non-Finnish European, 0.0016%; no homozygotes.

Submissions (2):

Ambry Genetics
Classification: Uncertain significance for Inborn genetic diseases. Last evaluated: 2025-10-25. Review status: criteria provided, single submitter. Criteria: Ambry Variant Classification Scheme 2023. Collection method: clinical testing. Allele origin: germline.

GeneDx
Classification: Uncertain significance. Last evaluated: 2025-07-10. Review status: criteria provided, single submitter. Criteria: GeneDx Variant Classification Process June 2021. Collection method: clinical testing. Allele origin: germline.
Comment: Not observed at significant frequency in large population cohorts (gnomAD); In silico analysis suggests that this missense variant does not alter protein structure/function; Has not been previously published as pathogenic or benign to our knowledge

NM_001376571.1(MADD):c.2018T>C (p.Ile673Thr)

Gene: MADD (MAP kinase activating death domain; plus strand). Cytogenetic location: 11p11.2.
Variant type: single nucleotide variant.
Coding change: c.2018T>C on transcript NM_001376571.1 (MANE Select); coding-DNA position 2018, T replaced by C.
Protein change: p.Ile673Thr; replaces isoleucine 673 with threonine.
Molecular consequence: missense variant. On other transcripts: non-coding transcript variant (8).
Genome position (GRCh38, 1-based): chr11:47,284,426, T>C. VCF-style: chr11-47284426-T-C. GRCh37 (hg19) VCF-style: chr11-47305977-T-C.
Other names: c.2018T>C, p.Ile673Thr (NM_001135943.2, NM_001135944.2, NM_001376572.1 and 79 more transcripts); c.1994T>C, p.Ile665Thr (NM_001376602.1); c.1814T>C, p.Ile605Thr (NM_001376620.1, NM_001376626.1, NM_001376627.1 and 9 more transcripts); c.1352T>C, p.Ile451Thr (NM_001376663.1); short protein forms I451T, I605T, I665T, I673T.
Identifiers: ClinVar variation 2577716 (VCV002577716.3), dbSNP rs148758859, ClinGen allele CA221695055.
Genomic context (GRCh38, chr11:47,284,426, plus strand): 5'-TTTTGGCAGATGTGGACCCTCTGACACATGCAGCACTGGGGGATGCCAGCGAGGTGGAGA[T>C]TGACGAGCTGCAGAATCAGAAGGAAGCAGAAGAGCCTGGCCCAGACAGTGAGAACTCTCA-3'
Protein context (NP_001363500.1, residues 663-683): AALGDASEVE[Ile673Thr]DELQNQKEAE